The following is an entry in ClinVar:

ClinVar aggregate classification (germline): Likely benign. Review status: criteria provided, multiple submitters, no conflicts (2 of 4 stars). 3 submissions from 3 submitters: Likely benign (3). Last evaluated 2023-06-28.

Conditions:
Marfan syndrome (MFS). Also called: MARFAN SYNDROME, TYPE I; FBN1-Related Marfan Syndrome; Marfan syndrome type 1; Marfan's syndrome; Marfan syndrome, classic. Identifiers: Orphanet 284963, Orphanet 558, MedGen C0024796, MONDO:0007947, OMIM 154700.
Familial thoracic aortic aneurysm and aortic dissection (TAAD). Also called: Thoracic aortic aneurysms and dissections. Identifiers: Orphanet 91387, MedGen C4707243, MONDO:0019625.

gnomAD v4.1: 2 of 1,613,854 alleles (0.00012%); highest among the groups gnomAD compares: Admixed American, 0.0033%; no homozygotes.

Submissions (3):

All of Us Research Program, National Institutes of Health
Classification: Likely benign for Marfan syndrome. Last evaluated: 2023-06-28. Review status: criteria provided, single submitter. Criteria: ACMG Guidelines, 2015. Collection method: clinical testing. Allele origin: germline. Inheritance: Autosomal dominant inheritance. Observed: 2 variant alleles, 2 heterozygotes.
Comment: This study involves interpretation of variants in research participants for the purpose of population health screening. Participant phenotype was not available at the time of variant classification. Additional details can be found in publication PMID: 35346344, PMCID: PMC8962531

Labcorp Genetics (formerly Invitae), Labcorp
Classification: Likely benign for Marfan syndrome; Familial thoracic aortic aneurysm and aortic dissection. Last evaluated: 2022-12-23. Review status: criteria provided, single submitter. Criteria: Invitae Variant Classification Sherloc (09022015). Collection method: clinical testing. Allele origin: germline.

Ambry Genetics
Classification: Likely benign for Familial thoracic aortic aneurysm and aortic dissection. Last evaluated: 2022-06-14. Review status: criteria provided, single submitter. Criteria: Ambry Variant Classification Scheme 2023. Collection method: clinical testing. Allele origin: germline.

NM_000138.5(FBN1):c.6219C>T (p.Pro2073=)

Gene: FBN1 (fibrillin 1; minus strand). Cytogenetic location: 15q21.1.
Variant type: single nucleotide variant.
Coding change: c.6219C>T on transcript NM_000138.5 (MANE Select); coding-DNA position 6219, C replaced by T.
Protein change: p.Pro2073=; no amino-acid change (proline 2073 retained).
Molecular consequence: synonymous variant.
Genome position (GRCh38, 1-based): chr15:48,437,862, G>A on the plus strand (C>T on the coding strand, the complement: FBN1 is on the minus strand). VCF-style: chr15-48437862-G-A. GRCh37 (hg19) VCF-style: chr15-48730059-G-A.
Identifiers: ClinVar variation 783225 (VCV000783225.11), dbSNP rs771786623, ClinGen allele CA056464.